The following is an entry in ClinVar:

NM_031475.3(ESPN):c.2120C>T (p.Pro707Leu)

Gene: ESPN (espin; plus strand). Cytogenetic location: 1p36.31.
Variant type: single nucleotide variant.
Coding change: c.2120C>T on transcript NM_031475.3 (MANE Select); coding-DNA position 2120, C replaced by T.
Protein change: p.Pro707Leu; replaces proline 707 with leucine.
Molecular consequence: missense variant.
Genome position (GRCh38, 1-based): chr1:6,451,891, C>T. VCF-style: chr1-6451891-C-T. GRCh37 (hg19) VCF-style: chr1-6511951-C-T.
Other names: c.2030C>T, p.Pro677Leu (NM_001367473.1); c.2057C>T, p.Pro686Leu (NM_001367474.1); short protein forms P707L, P677L, P686L.
Identifiers: ClinVar variation 228669 (VCV000228669.8), dbSNP rs576917953, ClinGen allele CA560394.

ClinVar aggregate classification (germline): Uncertain significance. Review status: criteria provided, multiple submitters, no conflicts (2 of 4 stars). 4 submissions from 4 submitters: Uncertain significance (4). Last evaluated 2025-01-17.

Conditions:
Inborn genetic diseases. Identifiers: MedGen C0950123, MeSH D030342.

Allele frequency attached by ClinVar (database versions not stated): gnomAD 0.00001 and 0.00002; gnomAD exomes 0.00001; ExAC 0.00002; TOPMed 0.00002; 1000 Genomes Project 30x 0.00016; 1000 Genomes Project 0.00020.

Submissions (4):

Ambry Genetics
Classification: Uncertain significance for Inborn genetic diseases. Last evaluated: 2025-01-17. Review status: criteria provided, single submitter. Criteria: Ambry Variant Classification Scheme 2023. Collection method: clinical testing. Allele origin: germline.

Blueprint Genetics
Classification: Uncertain significance. Last evaluated: 2023-02-17. Review status: criteria provided, single submitter. Criteria: ACMG Guidelines, 2015. Collection method: clinical testing. Allele origin: germline.

GeneDx
Classification: Uncertain significance. Last evaluated: 2022-03-14. Review status: criteria provided, single submitter. Criteria: GeneDx Variant Classification Process June 2021. Collection method: clinical testing. Allele origin: germline. Affected: yes.
Comment: In silico analysis supports that this missense variant has a deleterious effect on protein structure/function; Has not been previously published as pathogenic or benign to our knowledge

Laboratory for Molecular Medicine, Mass General Brigham Personalized Medicine
Classification: Uncertain significance. Last evaluated: 2015-06-04. Review status: criteria provided, single submitter. Criteria: LMM Criteria. Collection method: clinical testing. Allele origin: germline. Observed: 1 variant allele.
Comment: The p.Pro707Leu variant in ESPN has not been previously reported in individuals with hearing loss, but has been identified in 1/7542 East Asian and 1/9664 Latin o chromosomes by the Exome Aggregation Consortium (ExAC). Computational prediction tools and conservation analyses do not prov ide strong support for or against an impact to the protein. In summary, the cli nical significance of the p.Pro707Leu variant is uncertain.